The following is an entry in ClinVar:

ClinVar aggregate classification (germline): Conflicting classifications of pathogenicity. Review status: criteria provided, conflicting classifications (1 of 4 stars). 2 submissions from 2 submitters: Uncertain significance (1); Benign (1). Last evaluated 2025-04-09.

Allele frequency attached by ClinVar (database versions not stated): ExAC 0.00006; 1000 Genomes Project 30x 0.00016; 1000 Genomes Project 0.00020.
gnomAD v4.1: 46 of 1,614,132 alleles (0.0028%); highest among the groups gnomAD compares: Admixed American, 0.0083%; no homozygotes.

Submissions (2):

Labcorp Genetics (formerly Invitae), Labcorp
Classification: Uncertain significance. Last evaluated: 2025-04-09. Review status: criteria provided, single submitter. Criteria: Invitae Variant Classification Sherloc (09022015). Collection method: clinical testing. Allele origin: germline.
Comment: This sequence change replaces arginine, which is basic and polar, with histidine, which is basic and polar, at codon 973 of the ALPK1 protein (p.Arg973His). This variant is present in population databases (rs202085322, gnomAD 0.009%). This variant has not been reported in the literature in individuals affected with ALPK1-related conditions. ClinVar contains an entry for this variant (Variation ID: 2062745). Invitae Evidence Modeling of protein sequence and biophysical properties (such as structural, functional, and spatial information, amino acid conservation, physicochemical variation, residue mobility, and thermodynamic stability) indicates that this missense variant is expected to disrupt ALPK1 protein function with a positive predictive value of 80%. In summary, the available evidence is currently insufficient to determine the role of this variant in disease. Therefore, it has been classified as a Variant of Uncertain Significance.

Laboratory of Genetics, Children's Clinical University Hospital Latvia
Classification: Benign. Last evaluated: 2025-02-16. Review status: criteria provided, single submitter. Criteria: ACMG Guidelines, 2015. Collection method: clinical testing. Allele origin: germline. Affected: yes.

NM_025144.4(ALPK1):c.2918G>A (p.Arg973His)

Gene: ALPK1 (alpha kinase 1; plus strand). Cytogenetic location: 4q25.
Variant type: single nucleotide variant.
Coding change: c.2918G>A on transcript NM_025144.4 (MANE Select); coding-DNA position 2918, G replaced by A.
Protein change: p.Arg973His; replaces arginine 973 with histidine.
Molecular consequence: missense variant.
Genome position (GRCh38, 1-based): chr4:112,432,465, G>A. VCF-style: chr4-112432465-G-A. GRCh37 (hg19) VCF-style: chr4-113353621-G-A.
Other names: c.2918G>A, p.Arg973His (NM_001102406.2); c.2684G>A, p.Arg895His (NM_001253884.2); short protein forms R895H, R973H.
Identifiers: ClinVar variation 2062745 (VCV002062745.5), dbSNP rs202085322, ClinGen allele CA3047019.
Genomic context (GRCh38, chr4:112,432,465, plus strand): 5'-CCAGTGGGAGTTCTTGGGTTTCATTGCCGGGAAAGATGAGGAAAGAGATCCTTGAGGCTC[G>A]CACCTTGCAACCTGATGACTTTGAAAAGCTGTTGGCAGGAGTGAGGCATGATTGGCTGTT-3'
Protein context (NP_079420.3, residues 963-983): GKMRKEILEA[Arg973His]TLQPDDFEKL